The following is an entry in ClinVar:

ClinVar aggregate classification (germline): Uncertain significance (1 of 4 stars; one submission).

Submission:

Women's Health and Genetics/Laboratory Corporation of America, LabCorp
Classification: Uncertain significance. Last evaluated: 2025-09-22. Review status: criteria provided, single submitter. Criteria: LabCorp Variant Classification Summary - May 2015. Collection method: clinical testing. Allele origin: germline.
Comment: Variant summary: PKD1 c.7290_7301del12 (p.Leu2431_Arg2434del) results in an in-frame deletion that is predicted to remove 4 amino acids from the encoded protein. The frequency data for this variant in gnomAD is considered unreliable, as metrics indicate poor data quality at this position. To our knowledge, no occurrence of c.7290_7301del12 in individuals affected with PKD1-related conditions and no experimental evidence demonstrating its impact on protein function have been reported. No submitters have cited clinical-significance assessments for this variant to ClinVar. Based on the evidence outlined above, the variant was classified as uncertain significance.

NM_001009944.3(PKD1):c.7290_7301del (p.Leu2431_Arg2434del)

Gene: PKD1 (polycystin 1, transient receptor potential channel interacting; minus strand). Cytogenetic location: 16p13.3.
Variant type: Deletion.
Coding change: c.7290_7301del on transcript NM_001009944.3 (MANE Select); coding-DNA positions 7290 to 7301, 12 bases deleted (ACTGGTGCTGCG).
Protein change: p.Leu2431_Arg2434del.
Molecular consequence: inframe deletion.
Genome position (GRCh38, 1-based): chr16:2,106,586-2,106,597, CGCAGCACCAGT deleted on the plus strand (ACTGGTGCTGCG on the coding strand, the reverse complement: PKD1 is on the minus strand); deleting any 12 consecutive bases within chr16:2,106,586-2,106,601 gives the same sequence; the c. name uses the placement nearest the transcript's 3' end. VCF-style (leftmost placement, unchanged base first): chr16-2106585-CCGCAGCACCAGT-C. GRCh37 (hg19) VCF-style: chr16-2156586-CCGCAGCACCAGT-C.
Other names: c.7290_7301del, p.Leu2431_Arg2434del (NM_000296.4); c.7290_7301del12 (NM_001009944.3).
Identifiers: ClinVar variation 4536071 (VCV004536071.1).